The following continues an entry in ClinVar:

NM_006218.4(PIK3CA):c.325GAA[1] (p.Glu110del)

Gene: PIK3CA. ClinVar aggregate classification (germline): Likely pathogenic. Likely pathogenic (1). ClinVar aggregate classification (somatic clinical impact): Tier I - Strong. ClinVar aggregate classification (oncogenicity): Likely oncogenic.

Submissions 8 to 17 of 17:

Clinical Genomics Laboratory, Washington University in St. Louis
Classification: Pathogenic for PIK3CA-related overgrowth syndrome. Last evaluated: 2023-09-29. Review status: criteria provided, single submitter. Criteria: ACMG Guidelines, 2015. Collection method: clinical testing. Allele origin: somatic. Affected: yes. Not counted in ClinVar's aggregate classification.
Comment: A PIK3CA c.328_330del (p.Glu110del) variant was identified at an allelic fraction consistent with somatic origin. The PIK3CA c.328_330del (p.Glu110del) variant has been reported in multiple individuals affected with PROS disorders (Chang F et al., PMID: 28502725; Siegel DH et al., PMID: 29174369; Steiner JE et al., PMID: 29516089; Parker VER et al., PMID: 30270358; Keppler-Noreuil KM et al., PMID: 31490637; McNulty SN et al., PMID: 31585106). This variant has been reported in the ClinVar database as a pathogenic somatic variant by two submitters and as a likely pathogenic germline variant by an expert panel (ClinVar Variation ID: 995382). It has also been reported in multiple cases in the cancer database COSMIC (Cosmic Genomic Mutation ID: COSV55874554). The PIK3CA c.328_330del (p.Glu110del) variant is absent from the general population (gnomAD v.3.1.2), indicating it is not a common variant. This variant resides within the linker region, amino acids 106-186, between the adaptor-binding and Ras domains of p110a, which are defined as critical functional domains (Burke JE et al., PMID: 22949682). It is predicted to cause a change in the length of the protein due to an in-frame deletion of one amino acid in a non-repeat region. Functional studies show this variant to be activating, as demonstrated by increased transformation ability in two different cell lines (Ng PK et al., PMID: 29533785). Based on an internally-developed protocol informed by the ACMG/AMP guidelines (Richards S et al., PMID: 25741868) and gene-specific practices from the ClinGen Criteria Specification Registry, the PIK3CA c.328_330del (p.Glu110del) variant is classified as pathogenic.

Genetics and Molecular Pathology, SA Pathology
Classification: Likely pathogenic for CLOVES syndrome. Last evaluated: 2022-11-11. Review status: criteria provided, single submitter. Criteria: ACMG Guidelines, 2015. Collection method: clinical testing. Allele origin: germline. Inheritance: Somatic mutation. Affected: yes. Not counted in ClinVar's aggregate classification.
Comment: The PIK3CA c.328_330del variant is classified as Likely Pathogenic (PS4, PM2, PM4) This PIK3CA c.328_330del variant results in an inframe deletion in exon 2/21. The variant has been reported in affected tissue in many patients with overgrowth syndrome (PMID:28151489, PMID:28502725, PMID:29174369) (PS4). This variant is absent from population databases (PM2). This variant is predicted to alter the length of the protein produced by this gene due to an Inframe deletion variant in a nonrepeat region (PM4). The variant has been reported as Likely pathogenic by other diagnostic laboratories (ClinVar Variation ID: 995382). It has not been reported in dbSNP or HGMD.

Blueprint Genetics
Classification: Pathogenic for PIK3CA-related disorders. Last evaluated: 2022-10-12. Review status: criteria provided, single submitter. Criteria: ACMG Guidelines, 2015. Collection method: clinical testing. Allele origin: germline. Affected: yes. Observed: 2 variant alleles. Not counted in ClinVar's aggregate classification.

Seattle Children's Hospital Molecular Genetics Laboratory, Seattle Children's Hospital
Classification: Pathogenic. Last evaluated: 2022-01-12. Review status: criteria provided, single submitter. Criteria: ACMG Guidelines, 2015. Collection method: clinical testing. Allele origin: somatic. Affected: yes. Not counted in ClinVar's aggregate classification.
Comment: This deletion of three nucleotides results in the in-frame loss of a single codon representing a glutamic acid at codon 110. Codon 110 is a highly conserved amino acid position located within a linker region adjacent to the regulatory p85/adaptor-binding domain of the PI3 kinase p110-alpha catalytic subunit (UniProt #P42336). This is a recurrent pathogenic variant. Several unrelated individuals with PIK3CA-related segmental overgrowth syndrome due to the PIK3CA p.Glu110del variant have previously been reported (PMID: 28151489 and others).

CeGaT Center for Human Genetics Tuebingen
Classification: Uncertain significance. Last evaluated: 2018-02-01. Review status: criteria provided, single submitter. Criteria: CeGaT Center For Human Genetics Tuebingen Variant Classification Criteria Version 2. Collection method: clinical testing. Allele origin: germline. Affected: yes. Observed: 1 variant allele. Not counted in ClinVar's aggregate classification.

PreventionGenetics, part of Exact Sciences
Classification: Likely pathogenic for PIK3CA-related condition. Last evaluated: 2024-05-21. Review status: no assertion criteria provided. Collection method: clinical testing. Allele origin: germline. Not counted in ClinVar's aggregate classification.
Comment: The PIK3CA c.328_330delGAA variant is predicted to result in an in-frame deletion (p.Glu110del). This variant has been reported in multiple individuals with PIK3CA related conditions (see for example - Kuentz et al. 2017. PubMed ID: 28151489; Chang et al. 2017. PubMed ID: 28502725; Parker et al. 2019. PubMed ID: 30270358). Testing of multiple tissues in multiple individuals is consistent with this variant being mosaic (Table S1, Kuentz et al. 2017. PubMed ID: 28151489; Chang et al. 2017. PubMed ID: 28502725). Functional studies found this variant leads to an increase in phosphorylation (Blesinger et al. 2018. PubMed ID: 29985963; Ng et al. 2018. PubMed ID: 29533785). This variant has not been reported in a large population database, indicating this variant is rare. In ClinVar, this variant has conflicting interpretations ranging from uncertain to pathogenic; however, the ClinGen Brain Malformations Variant Curation Expert Panel has interpreted this variant as likely pathogenic. This variant is interpreted as likely pathogenic.

Institute of Tissue Medicine and Pathology, University of Bern
Classification: Likely pathogenic for Rare venous malformation. Last evaluated: 2024-03-19. Review status: no assertion criteria provided. Collection method: clinical testing. Allele origin: somatic. Affected: yes. Observed: 1 variant allele. Not counted in ClinVar's aggregate classification.

Institute of Tissue Medicine and Pathology, University of Bern
Classification: Likely pathogenic for CLOVES syndrome. Last evaluated: 2024-03-19. Review status: no assertion criteria provided. Collection method: clinical testing. Allele origin: somatic. Affected: yes. Observed: 1 variant allele. Not counted in ClinVar's aggregate classification.

Institute of Tissue Medicine and Pathology, University of Bern
Classification: Likely pathogenic for Angioosteohypertrophic syndrome. Last evaluated: 2024-03-19. Review status: no assertion criteria provided. Collection method: clinical testing. Allele origin: somatic. Affected: yes. Observed: 2 variant alleles. Not counted in ClinVar's aggregate classification.

Equipe Genetique des Anomalies du Developpement, Université de Bourgogne
Classification: Pathogenic for PIK3CA related overgrowth spectrum. Last evaluated: 2020-12-21. Review status: no assertion criteria provided. Collection method: clinical testing. Allele origin: somatic. Affected: yes. Not counted in ClinVar's aggregate classification.

Literature cited by the submitters: PubMed 37452404 (cited by 3billion and Ambry Genetics); PubMed 34779417 (cited by Institute for Genomic Medicine (IGM) Clinical Laboratory, Nationwide Children's Hospital and Center for Genomic Medicine, Rigshospitalet, Copenhagen University Hospital); PubMed 29533785 (cited by Institute for Genomic Medicine (IGM) Clinical Laboratory, Nationwide Children's Hospital and Center for Genomic Medicine, Rigshospitalet, Copenhagen University Hospital); PubMed 24436047 (cited by Institute for Genomic Medicine (IGM) Clinical Laboratory, Nationwide Children's Hospital); PubMed 34166060 (cited by Institute for Genomic Medicine (IGM) Clinical Laboratory, Nationwide Children's Hospital); PubMed 24332040 (cited by Institute for Genomic Medicine (IGM) Clinical Laboratory, Nationwide Children's Hospital); PubMed 26138366 (cited by Institute for Genomic Medicine (IGM) Clinical Laboratory, Nationwide Children's Hospital); PubMed 25768946 (cited by Institute for Genomic Medicine (IGM) Clinical Laboratory, Nationwide Children's Hospital); PubMed 28151489 (cited by Ambry Genetics and Genetics and Molecular Pathology, SA Pathology); PubMed 28502725 (cited by Ambry Genetics and Genetics and Molecular Pathology, SA Pathology); PubMed 29174369 (cited by Ambry Genetics and Genetics and Molecular Pathology, SA Pathology); PubMed 29985963 (cited by Ambry Genetics); PubMed 35047831 (cited by Ambry Genetics); PubMed 35122151 (cited by Ambry Genetics); PubMed 37658401 (cited by Ambry Genetics); PubMed 38980418 (cited by Ambry Genetics); PubMed 39376044 (cited by Ambry Genetics); PubMed 24120142 (cited by Institute for Genomic Medicine (IGM) Clinical Laboratory, Nationwide Children's Hospital); PubMed 32642724 (cited by Institute for Genomic Medicine (IGM) Clinical Laboratory, Nationwide Children's Hospital); PubMed 34952640 (cited by Institute for Genomic Medicine (IGM) Clinical Laboratory, Nationwide Children's Hospital); PubMed 33392505 (cited by Institute for Genomic Medicine (IGM) Clinical Laboratory, Nationwide Children's Hospital); PubMed 34170046 (cited by Equipe Genetique des Anomalies du Developpement, Université de Bourgogne).